The following is an entry in ClinVar:

ClinVar aggregate classification (germline): Uncertain significance (1 of 4 stars; one submission).

Conditions:
Microcephalic primordial dwarfism due to RTTN deficiency (MSSP). Also called: Microcephaly, short stature, and polymicrogyria with or without seizures; MICROCEPHALY, SHORT STATURE, AND POLYMICROGYRIA. Identifiers: Orphanet 468631, MedGen C3553831, MONDO:0018764, OMIM 614833.

Submission:

3billion
Classification: Uncertain significance for Microcephalic primordial dwarfism due to RTTN deficiency. Last evaluated: 2026-01-22. Review status: criteria provided, single submitter. Criteria: ACMG Guidelines, 2015. Collection method: clinical testing. Allele origin: germline. Affected: yes.
Comment: The variant is not observed in the gnomAD v4.1.0 dataset. Predicted Consequence/Location: Canonical splice site: predicted to alter splicing and result in a loss or disruption of normal protein function. Multiple pathogenic loss-of-function variants are reported downstream of the variant. In silico tools predict the variant to alter splicing and produce an abnormal transcript [SpliceAI: 0.98 (spliceogenicity >=0.2, non-spliceogenicity <0.1)]. Therefore, this variant is classified as Likely pathogenic according to the recommendation of ACMG/AMP guideline.

NM_173630.4(RTTN):c.2582-9T>G

Gene: RTTN (rotatin; minus strand). Cytogenetic location: 18q22.2.
Variant type: single nucleotide variant.
Coding change: c.2582-9T>G on transcript NM_173630.4 (MANE Select); 9 bases into the intron before coding-DNA position 2582, T replaced by G.
Molecular consequence: intron variant.
Genome position (GRCh38, 1-based): chr18:70,140,197, A>C on the plus strand (T>G on the coding strand, the complement: RTTN is on the minus strand). VCF-style: chr18-70140197-A-C. GRCh37 (hg19) VCF-style: chr18-67807433-A-C.
Other names: c.-66-481T>G (NM_001318520.2).
Identifiers: ClinVar variation 4856327 (VCV004856327.1).